The following is an entry in ClinVar:

ClinVar aggregate classification (germline): Conflicting classifications of pathogenicity. Review status: criteria provided, conflicting classifications (1 of 4 stars). 5 submissions from 5 submitters: Uncertain significance (4); Likely benign (1). Last evaluated 2026-01-24.

Conditions:
Inborn genetic diseases. Identifiers: MedGen C0950123, MeSH D030342.
Cerebral cavernous malformation 2. Also called: Familial Cerebral Cavernous Malformation 2. Identifiers: Orphanet 221061, MedGen C1864041, MONDO:0011304, OMIM 603284.

Allele frequency attached by ClinVar (database versions not stated): gnomAD exomes 0.00013 and 0.00023; ExAC 0.00014; TOPMed 0.00014; gnomAD 0.00015 and 0.00017; ESP Exome Variant Server 0.00038.
gnomAD v4.1: 363 of 1,613,542 alleles (0.022%); highest among the groups gnomAD compares: Non-Finnish European, 0.029%; no homozygotes.

Submissions (5):

Clinical Genomics Laboratory, Washington University in St. Louis
Classification: Uncertain significance for Cerebral cavernous malformation 2. Last evaluated: 2026-01-24. Review status: criteria provided, single submitter. Criteria: ACMG Guidelines, 2015. Collection method: clinical testing. Allele origin: germline.
Comment: A CCM2 c.1061G>A (p.Arg354Lys) variant was identified at a near heterozygous allelic fraction of 46.9%, a frequency which may be consistent with germline origin. This variant has been reported in a single individual with cerebral cavernous malformation (Scimone C et al., PMID: 36094437). This variant is observed in 363/1,613,542 alleles in the general population (gnomAD v4.1.0). It has been reported in the ClinVar database as a germline variant of uncertain significance by two submitters and a germline likely benign variant by one submitter (ClinVar Variation ID: 995333). Computational predictors are uncertain as to the impact of this variant on CCM2 function. Due to conflicting information, and based on ACMG/AMP guidelines for variant interpretation (Richards S et al., PMID: 25741868), the clinical significance of this variant is uncertain at this time.

Labcorp Genetics (formerly Invitae), Labcorp
Classification: Uncertain significance for Cerebral cavernous malformation 2. Last evaluated: 2025-11-27. Review status: criteria provided, single submitter. Criteria: Invitae Variant Classification Sherloc (09022015). Collection method: clinical testing. Allele origin: germline.
Comment: This sequence change replaces arginine, which is basic and polar, with lysine, which is basic and polar, at codon 354 of the CCM2 protein (p.Arg354Lys). This variant is present in population databases (rs145579135, gnomAD 0.03%), and has an allele count higher than expected for a pathogenic variant. This variant has not been reported in the literature in individuals affected with CCM2-related conditions. ClinVar contains an entry for this variant (Variation ID: 995333). Invitae Evidence Modeling of protein sequence and biophysical properties (such as structural, functional, and spatial information, amino acid conservation, physicochemical variation, residue mobility, and thermodynamic stability) indicates that this missense variant is not expected to disrupt CCM2 protein function with a negative predictive value of 80%. In summary, the available evidence is currently insufficient to determine the role of this variant in disease. Therefore, it has been classified as a Variant of Uncertain Significance.

GeneDx
Classification: Uncertain significance. Last evaluated: 2024-10-16. Review status: criteria provided, single submitter. Criteria: GeneDx Variant Classification Process June 2021. Collection method: clinical testing. Allele origin: germline. Affected: yes.
Comment: Reported in a cohort of individuals with cerebral cavernous malformations; however, patient specific information was not provided (PMID: 36094437); In silico analysis indicates that this missense variant does not alter protein structure/function; In silico analysis is inconclusive as to whether the variant alters gene splicing. In the absence of RNA/functional studies, the actual effect of this sequence change is unknown.; This variant is associated with the following publications: (PMID: 36094437)

Ambry Genetics
Classification: Likely benign for Inborn genetic diseases. Last evaluated: 2023-03-06. Review status: criteria provided, single submitter. Criteria: Ambry Variant Classification Scheme 2023. Collection method: clinical testing. Allele origin: germline.

Athena Diagnostics
Classification: Uncertain significance. Last evaluated: 2020-08-10. Review status: criteria provided, single submitter. Criteria: Athena Diagnostics Criteria. Collection method: clinical testing. Allele origin: unknown.

NM_031443.4(CCM2):c.1061G>A (p.Arg354Lys)

Gene: CCM2 (CCM2 scaffold protein; plus strand). Cytogenetic location: 7p13.
Variant type: single nucleotide variant.
Coding change: c.1061G>A on transcript NM_031443.4 (MANE Select); coding-DNA position 1061, G replaced by A.
Protein change: p.Arg354Lys; replaces arginine 354 with lysine.
Molecular consequence: missense variant. On other transcripts: non-coding transcript variant (1).
Genome position (GRCh38, 1-based): chr7:45,075,783, G>A. VCF-style: chr7-45075783-G-A. GRCh37 (hg19) VCF-style: chr7-45115382-G-A.
Other names: c.1124G>A, p.Arg375Lys (NM_001029835.2); c.887G>A, p.Arg296Lys (NM_001167934.2); c.788G>A, p.Arg263Lys (NM_001167935.2); c.1184G>A, p.Arg395Lys (NM_001363458.2); c.1010G>A, p.Arg337Lys (NM_001363459.2); short protein forms R263K, R296K, R337K, R354K, R375K, R395K.
Identifiers: ClinVar variation 995333 (VCV000995333.6), dbSNP rs145579135, ClinGen allele CA4247253.